The following is an entry in ClinVar:

NM_002905.5(RDH5):c.839G>A (p.Arg280His)

Genes: BLOC1S1-RDH5 (BLOC1S1-RDH5 readthrough; plus strand), CD63 (CD63 molecule; minus strand), RDH5 (retinol dehydrogenase 5; plus strand). Cytogenetic location: 12q13.2.
Variant type: single nucleotide variant.
Coding change: c.839G>A on transcript NM_002905.5 (MANE Select); coding-DNA position 839, G replaced by A.
Protein change: p.Arg280His; replaces arginine 280 with histidine.
Molecular consequence: missense variant. On other transcripts: non-coding transcript variant (1).
Genome position (GRCh38, 1-based): chr12:55,724,427, G>A. VCF-style: chr12-55724427-G-A. GRCh37 (hg19) VCF-style: chr12-56118211-G-A.
Other names: NP_002896.2:p.(Arg280His); c.839G>A, p.Arg280His (NM_001199771.3); c.839G>A (NM_001199771.1); short protein forms R280H.
Identifiers: ClinVar variation 8005 (VCV000008005.25), dbSNP rs62638193, ClinGen allele CA119200.

ClinVar aggregate classification (germline): Pathogenic/Likely pathogenic. Review status: criteria provided, multiple submitters, no conflicts (2 of 4 stars). 10 submissions from 10 submitters: Pathogenic (7); Likely pathogenic (2). 1 of the submissions does not count toward it. Last evaluated 2026-09-23.

Conditions:
RDH5-related disorder. Also called: RDH5-related condition.
Congenital stationary night blindness. Also called: Early-onset non-progressive night blindness. Identifiers: Orphanet 215, MedGen C0339535, MONDO:0016293, HP:0007642.
Pigmentary retinal dystrophy. Also called: Fundus albipunctatus. Identifiers: Orphanet 227796, Orphanet 52427, MedGen C0311338, MONDO:0007639, OMIM 136880, HP:0030642.
Fundus albipunctatus, autosomal recessive. Identifiers: MedGen C4016746.
Retinal disorder. Also called: Retinal disorders; Retinopathies; Retinal Diseases; Retinopathy. Identifiers: MedGen C0035309, MONDO:0005283, HP:0000488.

Allele frequency attached by ClinVar (database versions not stated): gnomAD 0.00011 and 0.00010; TOPMed 0.00019; ExAC 0.00006; gnomAD exomes 0.00008.
gnomAD v4.1: 147 of 1,614,008 alleles (0.0091%); highest among the groups gnomAD compares: Admixed American, 0.035%; no homozygotes.

Submissions (10):

Genetics Laboratory, Great Ormond Street Hospital NHS Foundation Trust, North Thames Genomic Laboratory Hub
Classification: Likely pathogenic for Retinal disorders. Last evaluated: 2026-09-23. Review status: criteria provided, single submitter. Criteria: ACGS Best Practice Guidelines for Variant Classification in Rare Disease 2024 v1.2. Collection method: clinical testing. Allele origin: germline. Affected: yes.
Comment: PM2_moderate, PP3_supporting, PS3_supporting, PM3_moderate

Labcorp Genetics (formerly Invitae), Labcorp
Classification: Pathogenic. Last evaluated: 2026-01-24. Review status: criteria provided, single submitter. Criteria: Invitae Variant Classification Sherloc (09022015). Collection method: clinical testing. Allele origin: germline.
Comment: This sequence change replaces arginine, which is basic and polar, with histidine, which is basic and polar, at codon 280 of the RDH5 protein (p.Arg280His). This variant is present in population databases (rs62638193, gnomAD 0.03%). This missense change has been observed in individual(s) with fundus albipunctatus (PMID: 10617778, 11053295, 15007239). In at least one individual the data is consistent with being in trans (on the opposite chromosome) from a pathogenic variant. It has also been observed to segregate with disease in related individuals. ClinVar contains an entry for this variant (Variation ID: 8005). Invitae Evidence Modeling of protein sequence and biophysical properties (such as structural, functional, and spatial information, amino acid conservation, physicochemical variation, residue mobility, and thermodynamic stability) indicates that this missense variant is expected to disrupt RDH5 protein function with a positive predictive value of 80%. Experimental studies have shown that this missense change affects RDH5 function (PMID: 11675386). For these reasons, this variant has been classified as Pathogenic.

PreventionGenetics, part of Exact Sciences
Classification: Pathogenic for RDH5-related condition. Last evaluated: 2026-01-07. Review status: criteria provided, single submitter. Criteria: ACMG Guidelines, 2015. Collection method: clinical testing. Allele origin: germline.
Comment: The RDH5 c.839G>A variant is predicted to result in the amino acid substitution p.Arg280His. This variant has been reported to be causative for autosomal recessive fundus albipunctatus (see, for example, Gonzalez-Fernandez et al. 1999. PubMed ID: 10617778; Nakamura et al. 2000. PubMed ID: 11053295; Wang et al. 2014. PubMed ID: 24154662). Biochemical studies have confirmed the pathogenicity of the p.Arg280His change (Lidén et al. 2001. PubMed ID: 11675386). This variant is reported in 0.037% of alleles in individuals of Latino descent in gnomAD. This variant is interpreted as pathogenic.

Blueprint Genetics
Classification: Pathogenic for RDH5-related disorders. Last evaluated: 2024-11-08. Review status: criteria provided, single submitter. Criteria: ACMG Guidelines, 2015. Collection method: clinical testing. Allele origin: germline. Affected: yes. Observed: 5 variant alleles.

3billion
Classification: Pathogenic for Pigmentary retinal dystrophy. Last evaluated: 2024-09-25. Review status: criteria provided, single submitter. Criteria: ACMG Guidelines, 2015. Collection method: clinical testing. Allele origin: germline. Affected: yes.
Comment: The variant is observed at an extremely low frequency in the gnomAD v4.0.0 dataset (total allele frequency: 0.009%). Predicted Consequence/Location: Missense variant Functional studies provide strong evidence of the variant having a damaging effect on the gene or gene product (PMID: 11675386). In silico tool predictions suggest damaging effect of the variant on gene or gene product [REVEL: 0.91 (>=0.6, sensitivity 0.68 and specificity 0.92)]. The same nucleotide change resulting in the same amino acid change has been previously reported as pathogenic/likely pathogenic with strong evidence (ClinVar ID: VCV000008005 /PMID: 10617778, 11053295 /3billion dataset). The variant has been reported to be in trans with a pathogenic variant as either compound heterozygous or homozygous in at least 2 similarly affected unrelated individuals (PMID: 10617778, 11078852, 11558163). A different missense change at the same codon (p.Arg280Cys) has been reported to be associated with RDH5 related disorder (PMID: 33610152). Therefore, this variant is classified as Pathogenic according to the recommendation of ACMG/AMP guideline.

Ophthalmic Genetics Group, Institute of Molecular and Clinical Ophthalmology Basel
Classification: Likely pathogenic for Congenital stationary night blindness. Last evaluated: 2023-07-24. Review status: criteria provided, single submitter. Criteria: ACMG Guidelines, 2015. Collection method: research. Allele origin: germline. Affected: yes. Observed: 1 variant allele.
Comment: Clinical significance based on ACMG v2.0

This variant was classified as Likely pathogenic based on ACMG criteria: PP5, PM2, PP3, PM1.

Illumina Laboratory Services, Illumina
Classification: Pathogenic for Pigmentary retinal dystrophy. Last evaluated: 2018-10-11. Review status: criteria provided, single submitter. Criteria: ICSL Variant Classification Criteria 09 May 2019. Collection method: clinical testing. Allele origin: germline.
Comment: The RDH5 c.839G>A (p.Arg280His) missense variant has been reported in at least five studies in which is found in a compound heterozygous state in a total of eight individuals with fundus albipunctatus (FA) (including one set of monozygotic twins and a pair of siblings) and in a heterozygous state in three unaffected family members (Gonzalez-Fernandez et al. 1999; Nakamura et al. 2000; Kuroiwa et al. 2000; Sato et al. 2004; Nakamura et al. 2004). The p.Arg280His variant was absent from 310 control alleles but is reported at a frequency of 0.000349 in the Latino population of the Genome Aggregation Database. The p.Arg280His variant is located in the catalytic domain of the protein. Functional studies in COS-1 cells showed that the variant resulted in 2% protein expression and less than 1% enzyme activity compared to wild type (LidÃ©n et al. 2001). Co-expression studies showed the reduction of enzyme activity was dose-dependent. The variant is suggested to have a dominant-negative effect (LidÃ©n et al. 2001). Based on the collective evidence, the p.Arg280His variant is classified as pathogenic for fundus albipunctatus. This variant was observed by ICSL as part of a predisposition screen in an ostensibly healthy population.

Eurofins Ntd Llc (ga)
Classification: Pathogenic. Last evaluated: 2016-11-29. Review status: criteria provided, single submitter. Criteria: EGL Classification Definitions 2015. Collection method: clinical testing. Allele origin: germline. Observed: 1 variant allele, 1 heterozygote.

Clinical Genetics Service, Universitary Hospital 12 de Octubre
Classification: Pathogenic for Pigmentary retinal dystrophy. Review status: criteria provided, single submitter. Criteria: ACMG Guidelines, 2015. Collection method: clinical testing. Allele origin: germline. Affected: yes.

OMIM
Classification: Pathogenic for FUNDUS ALBIPUNCTATUS, AUTOSOMAL RECESSIVE. Last evaluated: 2000-11-01. Review status: no assertion criteria provided. Collection method: literature only. Allele origin: germline. Not counted in ClinVar's aggregate classification.

Literature cited by the submitters: PubMed 10617778 (cited by 5 submitters); PubMed 11053295 (cited by 3 submitters); PubMed 15007239 (cited by 3 submitters); PubMed 11675386 (cited by 3 submitters); PubMed 11078852 (cited by 4 submitters); PubMed 33610152 (cited by 3billion); PubMed 11558163 (cited by 3billion); PubMed 36909829 (cited by Ophthalmic Genetics Group, Institute of Molecular and Clinical Ophthalmology Basel); PubMed 15302662 (cited by Illumina Laboratory Services, Illumina and Eurofins Ntd Llc (ga)); PubMed 15790919 (cited by Eurofins Ntd Llc (ga)).